The following is an entry in ClinVar:

ClinVar aggregate classification (germline): Benign. Review status: criteria provided, multiple submitters, no conflicts (2 of 4 stars). 4 submissions from 4 submitters: Benign (4). Last evaluated 2024-11-27.

Conditions:
Deficiency of phosphoserine phosphatase (PSPHD). Also called: PSPH deficiency; Phosphoserine phosphatase deficiency. Identifiers: Orphanet 79350, MedGen C1291463, MONDO:0013531, OMIM 614023.

Allele frequency attached by ClinVar (database versions not stated): ExAC 0.18368.

Submissions (4):

Blueprint Genetics
Classification: Benign. Last evaluated: 2024-11-27. Review status: criteria provided, single submitter. Criteria: ACMG Guidelines, 2015. Collection method: clinical testing. Allele origin: germline.

Mendelics
Classification: Benign. Last evaluated: 2022-05-04. Review status: criteria provided, single submitter. Criteria: Mendelics Assertion Criteria 2019. Collection method: clinical testing. Allele origin: germline.

Illumina Laboratory Services, Illumina
Classification: Benign for Deficiency of phosphoserine phosphatase. Last evaluated: 2018-01-13. Review status: criteria provided, single submitter. Criteria: ICSL Variant Classification Criteria 13 December 2019. Collection method: clinical testing. Allele origin: germline.
Comment: This variant was observed in the ICSL laboratory as part of a predisposition screen in an ostensibly healthy population. It had not been previously curated by ICSL or reported in the Human Gene Mutation Database (HGMD: prior to June 1st, 2018), and was therefore a candidate for classification through an automated scoring system. Utilizing variant allele frequency, disease prevalence and penetrance estimates, and inheritance mode, an automated score was calculated to assess if this variant is too frequent to cause the disease. Based on the score and internal cut-off values, a variant classified as benign is not then subjected to further curation. The score for this variant resulted in a classification of benign for this disease.

Breakthrough Genomics
Classification: Benign. Review status: criteria provided, single submitter. Criteria: ACMG Guidelines, 2015. Collection method: not provided. Allele origin: germline. Inheritance: Autosomal recessive inheritance. Affected: yes.

NM_004577.4(PSPH):c.81A>T (p.Arg27Ser)

Gene: PSPH (phosphoserine phosphatase; minus strand). Cytogenetic location: 7p11.2.
Variant type: single nucleotide variant.
Coding change: c.81A>T on transcript NM_004577.4 (MANE Select); coding-DNA position 81, A replaced by T.
Protein change: p.Arg27Ser; replaces arginine 27 with serine.
Molecular consequence: missense variant.
Genome position (GRCh38, 1-based): chr7:56,021,132, T>A on the plus strand (A>T on the coding strand, the complement: PSPH is on the minus strand). VCF-style: chr7-56021132-T-A. GRCh37 (hg19) VCF-style: chr7-56088825-T-A.
Other names: c.81A>T, p.Arg27Ser (NM_001370503.1, NM_001370504.1, NM_001370505.1 and 17 more transcripts); short protein forms R27S.
Identifiers: ClinVar variation 360515 (VCV000360515.8), dbSNP rs74445297, ClinGen allele CA4268818.